The following is an entry in ClinVar:

ClinVar aggregate classification (germline): Uncertain significance (1 of 4 stars; one submission).

Submission:

Quest Diagnostics Nichols Institute San Juan Capistrano
Classification: Uncertain significance. Last evaluated: 2022-10-04. Review status: criteria provided, single submitter. Criteria: Quest Diagnostics criteria. Collection method: clinical testing. Allele origin: unknown.
Comment: The HBB c.185A>C (p.Lys62Thr) variant has not been reported in the published literature. It also has not been reported in large, multi-ethnic general populations. Analysis of this variant using bioinformatics tools for the prediction of the effect of amino acid changes on protein structure and function yielded predictions that this variant is damaging. Based on the available information, we are unable to determine the clinical significance of this variant.

NM_000518.5(HBB):c.185A>C (p.Lys62Thr)

Genes: HBB (hemoglobin subunit beta; minus strand), LOC106099062 (HBB recombination region; plus strand), LOC107133510 (origin of replication at HBB; plus strand). Cytogenetic location: 11p15.4.
Variant type: single nucleotide variant.
Coding change: c.185A>C on transcript NM_000518.5 (MANE Select); coding-DNA position 185, A replaced by C.
Protein change: p.Lys62Thr; replaces lysine 62 with threonine.
Molecular consequence: missense variant.
Genome position (GRCh38, 1-based): chr11:5,226,707, T>G on the plus strand (A>C on the coding strand, the complement: HBB is on the minus strand). VCF-style: chr11-5226707-T-G. GRCh37 (hg19) VCF-style: chr11-5247937-T-G.
Other names: short protein forms K62T.
Identifiers: ClinVar variation 2681980 (VCV002681980.1), dbSNP rs34974709, ClinGen allele CA379273891.